The following is an entry in ClinVar:

NM_001105244.2(PTPRM):c.1317C>T (p.Asn439=)

Gene: PTPRM (protein tyrosine phosphatase receptor type M; plus strand). Cytogenetic location: 18p11.23.
Variant type: single nucleotide variant.
Coding change: c.1317C>T on transcript NM_001105244.2 (MANE Select); coding-DNA position 1317, C replaced by T.
Protein change: p.Asn439=; no amino-acid change (asparagine 439 retained).
Molecular consequence: synonymous variant.
Genome position (GRCh38, 1-based): chr18:8,069,870, C>T. VCF-style: chr18-8069870-C-T. GRCh37 (hg19) VCF-style: chr18-8069868-C-T.
Other names: c.678C>T, p.Asn226= (NM_001378142.1, NM_001378143.1, NM_001378144.1 and 3 more transcripts); c.1317C>T, p.Asn439= (NM_002845.4).
Identifiers: ClinVar variation 3060529 (VCV003060529.2), dbSNP rs2230601, ClinGen allele CA8884075.

ClinVar aggregate classification (germline): Benign (0 of 4 stars; one submission).

Conditions:
PTPRM-related disorder. Also called: PTPRM-related condition.

Allele frequency attached by ClinVar (database versions not stated): 1000 Genomes Project 0.47444; 1000 Genomes Project 30x 0.47986; ExAC 0.50320; TOPMed 0.52397; gnomAD 0.52463; gnomAD exomes 0.52769; ESP Exome Variant Server 0.53491.
gnomAD v4.1: 849,706 of 1,612,754 alleles (53%); highest among the groups gnomAD compares: African/African-American, 56%; 226,558 homozygotes.

Submission:

PreventionGenetics, part of Exact Sciences
Classification: Benign for PTPRM-related condition. Last evaluated: 2019-10-17. Review status: no assertion criteria provided. Collection method: clinical testing. Allele origin: germline.
Comment: This variant is classified as benign based on ACMG/AMP sequence variant interpretation guidelines (Richards et al. 2015 PMID: 25741868, with internal and published modifications).